The following is an entry in ClinVar:

NM_018100.4(EFHC1):c.724-14T>A

Gene: EFHC1 (EF-hand domain containing 1; plus strand). Cytogenetic location: 6p12.2.
Variant type: single nucleotide variant.
Coding change: c.724-14T>A on transcript NM_018100.4 (MANE Select); 14 bases into the intron before coding-DNA position 724, T replaced by A.
Molecular consequence: intron variant. On other transcripts: non-coding transcript variant (1).
Genome position (GRCh38, 1-based): chr6:52,454,081, T>A. VCF-style: chr6-52454081-T-A. GRCh37 (hg19) VCF-style: chr6-52318879-T-A.
Other names: c.667-14T>A (NM_001172420.2).
Identifiers: ClinVar variation 205387 (VCV000205387.2), dbSNP rs756262882, ClinGen allele CA314411.
Genomic context (GRCh38, chr6:52,454,081, plus strand): 5'-CATAATTGCCAAAGTAGCCAAGTTGAACTCCCTACTTTTAGGATTCTTGAGTCACTACTT[T>A]GGATTCTTCAAAGGTCCTTCGATTCTATGCAATCTGGGATGATACAGACAGCATGTATGG-3'

ClinVar aggregate classification (germline): Uncertain significance (1 of 4 stars; one submission).

Allele frequency attached by ClinVar (database versions not stated): ExAC 0.00002; gnomAD exomes 0.00003; TOPMed 0.00003; gnomAD 0.00004 and 0.00005.
gnomAD v4.1: 75 of 1,612,532 alleles (0.0047%); highest among the groups gnomAD compares: Non-Finnish European, 0.0061%; no homozygotes.

Submission:

GeneDx
Classification: Uncertain significance. Last evaluated: 2015-07-28. Review status: criteria provided, single submitter. Criteria: GeneDx Variant Classification (06012015). Collection method: clinical testing. Allele origin: germline. Affected: yes.
Comment: c.724-14 T>A: IVS4-14 T>A in intron 4 of the EFHC1 gene (NM_018100.3). The c.724-14 T>A variant has not been published as a mutation, nor has it been reported as a benign polymorphism to our knowledge. It was not observed in approximately 6,500 individuals of European and African American ancestry in the NHLBI Exome Sequencing Project, indicating it is not a common benign variant in these populations. In silico analysis predicts this variant may damage the natural splice acceptor site and create a cryptic splice acceptor site in intron 4, leading to abnormal gene splicing; however, in the absence of RNA/functional studies the actual affect of the c.724-14 T>A nucleotide substitution is unknown. Therefore, based on the currently available information, it is unclear whether this variant is a pathogenic mutation or a rare benign variant. The variant is found in EPILEPSYV2-1 panel(s).